The following is an entry in ClinVar:

NM_152703.5(SAMD9L):c.3254G>A (p.Cys1085Tyr)

Gene: SAMD9L (sterile alpha motif domain containing 9 like; minus strand). Cytogenetic location: 7q21.2.
Variant type: single nucleotide variant.
Coding change: c.3254G>A on transcript NM_152703.5 (MANE Select); coding-DNA position 3254, G replaced by A.
Protein change: p.Cys1085Tyr; replaces cysteine 1085 with tyrosine.
Molecular consequence: missense variant.
Genome position (GRCh38, 1-based): chr7:93,132,718, C>T on the plus strand (G>A on the coding strand, the complement: SAMD9L is on the minus strand). VCF-style: chr7-93132718-C-T. GRCh37 (hg19) VCF-style: chr7-92762031-C-T.
Other names: c.3254G>A, p.Cys1085Tyr (NM_001303496.3, NM_001303497.3, NM_001303498.3 and 5 more transcripts); short protein forms C1085Y.
Identifiers: ClinVar variation 4159281 (VCV004159281.2).

ClinVar aggregate classification (germline): Uncertain significance. Review status: criteria provided, multiple submitters, no conflicts (2 of 4 stars). 2 submissions from 2 submitters: Uncertain significance (2). Last evaluated 2025-11-24.

Conditions:
Inborn genetic diseases. Identifiers: MedGen C0950123, MeSH D030342.

Submissions (2):

Labcorp Genetics (formerly Invitae), Labcorp
Classification: Uncertain significance. Last evaluated: 2025-11-24. Review status: criteria provided, single submitter. Criteria: Invitae Variant Classification Sherloc (09022015). Collection method: clinical testing. Allele origin: germline.
Comment: This sequence change replaces cysteine, which is neutral and slightly polar, with tyrosine, which is neutral and polar, at codon 1085 of the SAMD9L protein (p.Cys1085Tyr). This variant is not present in population databases (gnomAD no frequency). This variant has not been reported in the literature in individuals affected with SAMD9L-related conditions. ClinVar contains an entry for this variant (Variation ID: 4159281). Invitae Evidence Modeling of protein sequence and biophysical properties (such as structural, functional, and spatial information, amino acid conservation, physicochemical variation, residue mobility, and thermodynamic stability) indicates that this missense variant is not expected to disrupt SAMD9L protein function with a negative predictive value of 80%. In summary, the available evidence is currently insufficient to determine the role of this variant in disease. Therefore, it has been classified as a Variant of Uncertain Significance.

Ambry Genetics
Classification: Uncertain significance for Inborn genetic diseases. Last evaluated: 2025-06-28. Review status: criteria provided, single submitter. Criteria: Ambry Variant Classification Scheme 2023. Collection method: clinical testing. Allele origin: germline.
Comment: The p.C1085Y variant (also known as c.3254G>A), located in coding exon 1 of the SAMD9L gene, results from a G to A substitution at nucleotide position 3254. The cysteine at codon 1085 is replaced by tyrosine, an amino acid with highly dissimilar properties. This amino acid position is conserved. In addition, this alteration is predicted to be tolerated by in silico analysis. Based on the available evidence, the clinical significance of this variant remains unclear.